The following is an entry in ClinVar:

ClinVar aggregate classification (germline): Benign. Review status: criteria provided, multiple submitters, no conflicts (2 of 4 stars). 2 submissions from 2 submitters: Benign (2). Last evaluated 2018-06-14.

Allele frequency attached by ClinVar (database versions not stated): 1000 Genomes Project 0.54553; 1000 Genomes Project 30x 0.55091; gnomAD 0.58146 and 0.59164; TOPMed 0.59022.
gnomAD v4.1: 88,270 of 151,968 alleles (58%); highest among the groups gnomAD compares: African/African-American, 68%; 26,130 homozygotes.

Submissions (2):

GeneDx
Classification: Benign. Last evaluated: 2018-06-14. Review status: criteria provided, single submitter. Criteria: GeneDx Variant Classification (06012015). Collection method: clinical testing. Allele origin: germline. Affected: yes.
Comment: This variant is considered likely benign or benign based on one or more of the following criteria: it is a conservative change, it occurs at a poorly conserved position in the protein, it is predicted to be benign by multiple in silico algorithms, and/or has population frequency not consistent with disease.

Breakthrough Genomics
Classification: Benign. Review status: criteria provided, single submitter. Criteria: ACMG Guidelines, 2015. Collection method: not provided. Allele origin: germline. Inheritance: Autosomal recessive inheritance. Affected: yes.

NM_000260.4(MYO7A):c.4323+156C>T

Gene: MYO7A (myosin VIIA; plus strand). Cytogenetic location: 11q13.5.
Variant type: single nucleotide variant.
Coding change: c.4323+156C>T on transcript NM_000260.4 (MANE Select); 156 bases into the intron after coding-DNA position 4323, C replaced by T.
Molecular consequence: intron variant.
Genome position (GRCh38, 1-based): chr11:77,194,680, C>T. VCF-style: chr11-77194680-C-T. GRCh37 (hg19) VCF-style: chr11-76905725-C-T.
Other names: c.4290+156C>T (NM_001369365.1); c.4323+156C>T (NM_001127180.2).
Identifiers: ClinVar variation 670379 (VCV000670379.2), dbSNP rs948958, ClinGen allele CA13566570.